The following is an entry in ClinVar:

NM_152296.5(ATP1A3):c.2102T>C (p.Ile701Thr)

Gene: ATP1A3 (ATPase Na+/K+ transporting subunit alpha 3; minus strand). Cytogenetic location: 19q13.2.
Variant type: single nucleotide variant.
Coding change: c.2102T>C on transcript NM_152296.5 (MANE Select); coding-DNA position 2102, T replaced by C.
Protein change: p.Ile701Thr; replaces isoleucine 701 with threonine.
Molecular consequence: missense variant.
Genome position (GRCh38, 1-based): chr19:41,975,790, A>G on the plus strand (T>C on the coding strand, the complement: ATP1A3 is on the minus strand). VCF-style: chr19-41975790-A-G. GRCh37 (hg19) VCF-style: chr19-42479942-A-G.
Other names: c.2135T>C, p.Ile712Thr (NM_001256213.2); c.2141T>C, p.Ile714Thr (NM_001256214.2); short protein forms I701T, I712T, I714T.
Identifiers: ClinVar variation 3360223 (VCV003360223.1).

ClinVar aggregate classification (germline): Uncertain significance (1 of 4 stars; one submission).

gnomAD v4.1: 9 of 1,613,782 alleles (0.00056%); highest among the groups gnomAD compares: African/African-American, 0.0027%; no homozygotes.

Submission:

GeneDx
Classification: Uncertain significance. Last evaluated: 2023-06-21. Review status: criteria provided, single submitter. Criteria: GeneDx Variant Classification Process June 2021. Collection method: clinical testing. Allele origin: germline. Affected: yes.
Comment: Not observed at significant frequency in large population cohorts (gnomAD); In silico analysis supports that this missense variant has a deleterious effect on protein structure/function; Has not been previously published as pathogenic or benign to our knowledge